The following is an entry in ClinVar:

NM_003597.5(KLF11):c.1420C>T (p.Arg474Trp)

Gene: KLF11 (KLF transcription factor 11; plus strand). Cytogenetic location: 2p25.1.
Variant type: single nucleotide variant.
Coding change: c.1420C>T on transcript NM_003597.5 (MANE Select); coding-DNA position 1420, C replaced by T.
Protein change: p.Arg474Trp; replaces arginine 474 with tryptophan.
Molecular consequence: missense variant.
Genome position (GRCh38, 1-based): chr2:10,052,388, C>T. VCF-style: chr2-10052388-C-T. GRCh37 (hg19) VCF-style: chr2-10192515-C-T.
Other names: c.1369C>T, p.Arg457Trp (NM_001177716.2, NM_001177718.2); short protein forms R474W, R457W.
Identifiers: ClinVar variation 4749564 (VCV004749564.1).

ClinVar aggregate classification (germline): Uncertain significance (1 of 4 stars; one submission).

gnomAD v4.1: 23 of 1,614,112 alleles (0.0014%); highest among the groups gnomAD compares: East Asian, 0.02%; no homozygotes.

Submission:

Labcorp Genetics (formerly Invitae), Labcorp
Classification: Uncertain significance. Last evaluated: 2025-10-09. Review status: criteria provided, single submitter. Criteria: Invitae Variant Classification Sherloc (09022015). Collection method: clinical testing. Allele origin: germline.
Comment: This sequence change replaces arginine, which is basic and polar, with tryptophan, which is neutral and slightly polar, at codon 474 of the KLF11 protein (p.Arg474Trp). This variant is present in population databases (rs532353853, gnomAD 0.05%). This variant has not been reported in the literature in individuals affected with KLF11-related conditions. An algorithm developed to predict the effect of missense changes on protein structure and function (PolyPhen-2) suggests that this variant is likely to be disruptive. In summary, the available evidence is currently insufficient to determine the role of this variant in disease. Therefore, it has been classified as a Variant of Uncertain Significance.